The following is an entry in ClinVar:

NM_015046.7(SETX):c.5083C>T (p.Gln1695Ter)

Gene: SETX (senataxin; minus strand). Cytogenetic location: 9q34.13.
Variant type: single nucleotide variant.
Coding change: c.5083C>T on transcript NM_015046.7 (MANE Select); coding-DNA position 5083, C replaced by T.
Protein change: p.Gln1695Ter; replaces glutamine 1695 with a stop codon.
Molecular consequence: nonsense.
Genome position (GRCh38, 1-based): chr9:132,326,515, G>A on the plus strand (C>T on the coding strand, the complement: SETX is on the minus strand). VCF-style: chr9-132326515-G-A. GRCh37 (hg19) VCF-style: chr9-135201902-G-A.
Other names: c.5083C>T, p.Gln1695Ter (NM_001351527.2, NM_001351528.2); short protein forms Q1695*.
Identifiers: ClinVar variation 805419 (VCV000805419.6), dbSNP rs1589734405, ClinGen allele CA375322208.

ClinVar aggregate classification (germline): Pathogenic/Likely pathogenic. Review status: criteria provided, multiple submitters, no conflicts (2 of 4 stars). 3 submissions from 3 submitters: Pathogenic (1); Likely pathogenic (2). Last evaluated 2023-02-08.

Conditions:
Spinocerebellar ataxia, autosomal recessive, with axonal neuropathy 2 (SCAN2). Also called: Ataxia with Oculomotor Apraxia; Ataxia with Oculomotor Apraxia Type 2; Ataxia-ocular apraxia-2; ATAXIA-OCULOMOTOR APRAXIA 2. Identifiers: Orphanet 64753, MedGen C1853761, MONDO:0018996, OMIM 606002.
Amyotrophic lateral sclerosis type 4 (ALS4). Also called: NEURONOPATHY, DISTAL HEREDITARY MOTOR, WITH PYRAMIDAL FEATURES; AMYOTROPHIC LATERAL SCLEROSIS 4, JUVENILE. Identifiers: Orphanet 357043, MedGen C1865409, MONDO:0011223, OMIM 602433.

Submissions (3):

Genome-Nilou Lab
Classification: Likely pathogenic for Spinocerebellar ataxia, autosomal recessive, with axonal neuropathy 2. Last evaluated: 2023-02-08. Review status: criteria provided, single submitter. Criteria: ACMG Guidelines, 2015. Collection method: clinical testing. Allele origin: germline.

Labcorp Genetics (formerly Invitae), Labcorp
Classification: Pathogenic for Amyotrophic lateral sclerosis type 4; Spinocerebellar ataxia, autosomal recessive, with axonal neuropathy 2. Last evaluated: 2022-07-26. Review status: criteria provided, single submitter. Criteria: Invitae Variant Classification Sherloc (09022015). Collection method: clinical testing. Allele origin: germline.
Comment: This sequence change creates a premature translational stop signal (p.Gln1695*) in the SETX gene. It is expected to result in an absent or disrupted protein product. Loss-of-function variants in SETX are known to be pathogenic (PMID: 14770181). This variant is not present in population databases (gnomAD no frequency). This variant has not been reported in the literature in individuals affected with SETX-related conditions. ClinVar contains an entry for this variant (Variation ID: 805419). For these reasons, this variant has been classified as Pathogenic.

Athena Diagnostics
Classification: Likely pathogenic. Last evaluated: 2019-06-14. Review status: criteria provided, single submitter. Criteria: Athena Diagnostics Criteria. Collection method: clinical testing. Allele origin: germline.
Comment: The variant creates a premature nonsense codon, and is therefore predicted to result in the loss of a functional protein. Not found in the total gnomAD dataset, and the data is high quality (0/282798 chr).

Literature cited by the submitters: PubMed 14770181 (cited by Labcorp Genetics (formerly Invitae), Labcorp).